The following is an entry in ClinVar:

NM_000535.7(PMS2):c.1145-31_1145-13del

Gene: PMS2 (PMS1 homolog 2, mismatch repair system component; minus strand). Cytogenetic location: 7p22.1.
Variant type: Deletion.
Coding change: c.1145-31_1145-13del on transcript NM_000535.7 (MANE Select); 31 bases into the intron before coding-DNA position 1145 through 13 bases into the intron before coding-DNA position 1145, 19 bases deleted (CTGACCCTCTTCTCCGTCC).
Molecular consequence: intron variant.
Genome position (GRCh38, 1-based): chr7:5,987,633-5,987,651, GGACGGAGAAGAGGGTCAG deleted on the plus strand (CTGACCCTCTTCTCCGTCC on the coding strand, the reverse complement: PMS2 is on the minus strand); deleting any 19 consecutive bases within chr7:5,987,633-5,987,655 gives the same sequence; the c. name uses the placement nearest the transcript's 3' end. VCF-style (leftmost placement, unchanged base first): chr7-5987632-TGGACGGAGAAGAGGGTCAG-T. GRCh37 (hg19) VCF-style: chr7-6027263-TGGACGGAGAAGAGGGTCAG-T.
Other names: c.1145-31_1145-13delCTGACCCTCTTCTCCGTCC (NM_000535.7); c.827-31_827-13del (NM_001322008.2, NM_001322007.2); c.584-31_584-13del (NM_001322010.2); c.740-31_740-13del (NM_001322004.2, NM_001322003.2, NM_001322009.2 and 1 more transcripts); c.572-31_572-13del (NM_001322013.2); c.212-31_212-13del (NM_001322012.2, NM_001322011.2); c.836-31_836-13del (NM_001322015.2); c.989-31_989-13del (NM_001322006.2); and 1 more.
Identifiers: ClinVar variation 800866 (VCV000800866.6), dbSNP rs751973268, ClinGen allele CA042260.

ClinVar aggregate classification (germline): Conflicting classifications of pathogenicity. Review status: criteria provided, conflicting classifications (1 of 4 stars). 5 submissions from 5 submitters: Likely pathogenic (2); Uncertain significance (2). 1 of the submissions does not count toward it. Last evaluated 2025-10-21.

Conditions:
Constitutional mismatch repair deficiency syndrome. Identifiers: Orphanet 252202, MedGen C4321324.
Mismatch repair cancer syndrome 4. Identifiers: MedGen C5436817, MONDO:0030843, OMIM 619101.
Hereditary nonpolyposis colorectal neoplasms. Identifiers: MedGen C0009405, MeSH D003123.
Mismatch repair cancer syndrome 1 (MMRCS1). Also called: BRAIN TUMOR-POLYPOSIS SYNDROME 1; BTP1 SYNDROME; CHILDHOOD CANCER SYNDROME; MISMATCH REPAIR DEFICIENCY; MMR DEFICIENCY. Identifiers: Orphanet 252202, MedGen C5399763, MONDO:0010159, OMIM 276300. Disease mechanism: loss of function.

Submissions (5):

Clinical Genetics Laboratory, Skane University Hospital Lund
Classification: Likely pathogenic for Constitutional mismatch repair deficiency syndrome. Last evaluated: 2025-10-21. Review status: criteria provided, single submitter. Criteria: ACMG Guidelines, 2015. Collection method: clinical testing. Allele origin: germline. Inheritance: Autosomal recessive inheritance. Affected: yes.
Comment: Loss of PMS2 by immunohistochemical staining. LOGIC testing on blood yielded values well above the threshold seen in MMR-proficient controls. This variant has previously been detected in homozygosity in two unrelated children with CMMRD (PMID: 36790526 and PMID: 30013564), in the latter article cDNA-sequencing showed two aberrant transcripts.

Genomic Medicine Center of Excellence, King Faisal Specialist Hospital and Research Centre
Classification: Uncertain significance for Mismatch repair cancer syndrome 4. Last evaluated: 2025-09-10. Review status: criteria provided, single submitter. Criteria: ACMG Guidelines, 2015. Collection method: clinical testing. Allele origin: germline.

Labcorp Genetics (formerly Invitae), Labcorp
Classification: Uncertain significance for Hereditary nonpolyposis colorectal neoplasms. Last evaluated: 2024-02-02. Review status: criteria provided, single submitter. Criteria: Invitae Variant Classification Sherloc (09022015). Collection method: clinical testing. Allele origin: germline.
Comment: This sequence change falls in intron 10 of the PMS2 gene. It does not directly change the encoded amino acid sequence of the PMS2 protein. This variant is present in population databases (rs751973268, gnomAD 0.01%). This variant has been observed in individual(s) with clinical features of constitutional mismatch repair deficiency syndrome (CMMR-D) (PMID: 30013564, 36790526). ClinVar contains an entry for this variant (Variation ID: 800866). Studies have shown that this variant alters mRNA splicing and is expected to lead to the loss of protein expression (PMID: 30013564). In summary, the available evidence is currently insufficient to determine the role of this variant in disease. Therefore, it has been classified as a Variant of Uncertain Significance.

Department of Pathology and Laboratory Medicine, Sinai Health System
Classification: Likely pathogenic for mismatch repair cancer syndrome 1. Review status: criteria provided, single submitter. Criteria: ACMG Guidelines, 2015. Collection method: clinical testing. Allele origin: germline.

Biochemical Molecular Genetic Laboratory, King Abdulaziz Medical City
Classification: Uncertain significance for Mismatch repair cancer syndrome 1. Last evaluated: 2019-08-25. Review status: no assertion criteria provided. Collection method: clinical testing. Allele origin: germline. Affected: yes. Not counted in ClinVar's aggregate classification.

Literature cited by the submitters: PubMed 30013564 (cited by Labcorp Genetics (formerly Invitae), Labcorp); PubMed 36790526 (cited by Labcorp Genetics (formerly Invitae), Labcorp).